The following is an entry in ClinVar:

ClinVar aggregate classification (germline): Pathogenic. Review status: reviewed by expert panel (3 of 4 stars). 9 submissions from 9 submitters: Pathogenic (1). 8 of the submissions do not count toward it. Last evaluated 2016-09-08.

Conditions:
Hereditary cancer-predisposing syndrome. Also called: Neoplastic Syndromes, Hereditary; Tumor predisposition; Hereditary Cancer Syndrome; Hereditary neoplastic syndrome. Identifiers: Orphanet 140162, MedGen C0027672, MeSH D009386, MONDO:0015356.
Hereditary breast ovarian cancer syndrome. Also called: Hereditary breast and ovarian cancer syndrome; Hereditary breast and ovarian cancer; Hereditary breast and ovarian cancer syndrome (HBOC); Breast and ovarian cancer; Hereditary breast and/or ovarian cancer syndrome; BRCA1- and BRCA2-Associated Hereditary Breast and Ovarian Cancer. Identifiers: Orphanet 145, MedGen C0677776, MeSH D061325, MONDO:0003582. Disease mechanism: loss of function.
Breast-ovarian cancer, familial, susceptibility to, 2 (BROVCA2). Also called: BRCA2 Hereditary Breast and Ovarian Cancer. Identifiers: Orphanet 145, MedGen C2675520, MONDO:0012933, OMIM 612555. Disease mechanism: loss of function.

Submissions (9):

Evidence-based Network for the Interpretation of Germline Mutant Alleles (ENIGMA)
Classification: Pathogenic for Breast-ovarian cancer, familial, susceptibility to, 2. Last evaluated: 2016-09-08. Review status: reviewed by expert panel. Criteria: ENIGMA BRCA1/2 Classification Criteria (2015). Collection method: curation. Allele origin: germline.
Comment: Variant allele predicted to encode a truncated non-functional protein.

Center for Genomic Medicine, Rigshospitalet, Copenhagen University Hospital
Classification: Pathogenic. Last evaluated: 2025-03-04. Review status: criteria provided, single submitter. Criteria: ACMG Guidelines, 2015. Collection method: clinical testing. Allele origin: germline. Not counted in ClinVar's aggregate classification.

Ambry Genetics
Classification: Pathogenic for Hereditary cancer-predisposing syndrome. Last evaluated: 2023-11-07. Review status: criteria provided, single submitter. Criteria: Ambry Variant Classification Scheme 2023. Collection method: clinical testing. Allele origin: germline. Not counted in ClinVar's aggregate classification.
Comment: The c.2435delA pathogenic mutation, located in coding exon 10 of the BRCA2 gene, results from a deletion of one nucleotide at nucleotide position 2435, causing a translational frameshift with a predicted alternate stop codon. This mutation has been identified in multiple individuals with personal or family history of breast and/or ovarian cancer (Marroni F et al. Eur. J. Hum. Genet., 2004 Nov;12:899-906; Kang E et al. Breast Cancer Res. Treat., 2015 May;151:157-68; Rebbeck TR et al. Hum. Mutat. 2018 05;39(5):593-620). Note that this alteration is also referred to as 2663delA in published literature. In addition to the clinical data presented in the literature, this alteration is expected to result in loss of function by premature protein truncation or nonsense-mediated mRNA decay. As such, this alteration is interpreted as a disease-causing mutation.

Color Diagnostics, LLC DBA Color Health
Classification: Pathogenic for Hereditary cancer-predisposing syndrome. Last evaluated: 2023-04-04. Review status: criteria provided, single submitter. Criteria: ACMG Guidelines, 2015. Collection method: clinical testing. Allele origin: germline. Not counted in ClinVar's aggregate classification.
Comment: This variant deletes 1 nucleotide in exon 11 of the BRCA2 gene, creating a frameshift and premature translation stop signal. This variant is expected to result in an absent or non-functional protein product. This variant has been reported in four individuals with a personal and/or family history of breast or ovarian cancer (PMID: 15340362, 25863477, 28392550, 35879854). This variant has not been identified in the general population by the Genome Aggregation Database (gnomAD). Loss of BRCA2 function is a known mechanism of disease. Based on the available evidence, this variant is classified as Pathogenic.

Labcorp Genetics (formerly Invitae), Labcorp
Classification: Pathogenic for Hereditary breast ovarian cancer syndrome. Last evaluated: 2020-03-18. Review status: criteria provided, single submitter. Criteria: Invitae Variant Classification Sherloc (09022015). Collection method: clinical testing. Allele origin: germline. Not counted in ClinVar's aggregate classification.
Comment: This variant is not present in population databases (ExAC no frequency). For these reasons, this variant has been classified as Pathogenic. Loss-of-function variants in BRCA2 are known to be pathogenic (PMID: 20104584). This variant has been observed in individual(s) with breast and/or ovarian cancer (PMID: 15340362, 25863477). This variant is also known as 2663delA in the literature. ClinVar contains an entry for this variant (Variation ID: 51283). This sequence change creates a premature translational stop signal (p.Asn812Ilefs*13) in the BRCA2 gene. It is expected to result in an absent or disrupted protein product.

GeneKor MSA
Classification: Pathogenic. Last evaluated: 2020-01-01. Review status: criteria provided, single submitter. Criteria: ACMG Guidelines, 2015. Collection method: clinical testing. Allele origin: germline. Not counted in ClinVar's aggregate classification.
Comment: This sequence change deletes one nucleotide in exon 11 of BRCA2 mRNA (c.2435delA), causing a frameshift at codon 812 and the creation of a premature translation stop signal 13 amino acid residues later. This is expected to result in an absent or disrupted protein product. Truncating variants in BRCA2 are known to be pathogenic. This variant has been reported in the literature in at least one individual with hereditary breast and ovarian cancer (PMID: 15340362) and is also known as 2663delA. The mutation database ClinVar contains entries for this variant where it is listed as pathogenic (Variation ID: 51283).

Consortium of Investigators of Modifiers of BRCA1/2 (CIMBA), c/o University of Cambridge
Classification: Pathogenic for Breast-ovarian cancer, familial, susceptibility to, 2. Last evaluated: 2015-10-02. Review status: criteria provided, single submitter. Criteria: CIMBA Mutation Classification guidelines May 2016. Collection method: clinical testing. Allele origin: germline. Not counted in ClinVar's aggregate classification.

GeneDx
Classification: Pathogenic. Last evaluated: 2015-03-26. Review status: criteria provided, single submitter. Criteria: GeneDx Variant Classification (06012015). Collection method: clinical testing. Allele origin: germline. Affected: yes. Not counted in ClinVar's aggregate classification.
Comment: This deletion of one nucleotide in BRCA2 is denoted c.2435delA at the cDNA level and p.Asn812IlefsX13 (N812IfsX13) at the protein level. The normal sequence, with the base that is deleted in brackets, is CAAAA[A]TATT. The deletion causes a frameshift, which changes an Asparagine to an Isoleucine at codon 812, and creates a premature stop codon at position 13 of the new reading frame. This variant is predicted to cause loss of normal protein function through either protein truncation or nonsense-mediated mRNA decay. BRCA2 c.2435delA, previously reported as 2663delA, has been reported in at least one individual with Hereditary Breast and Ovarian Cancer syndrome (Marroni 2004). we consider this variant to be pathogenic.

Breast Cancer Information Core (BIC) (BRCA2)
Classification: Pathogenic for Breast-ovarian cancer, familial 2. Last evaluated: 1999-06-22. Review status: no assertion criteria provided. Collection method: clinical testing. Allele origin: germline. Affected: yes. Observed: 1 variant allele. Not counted in ClinVar's aggregate classification.

Literature cited by the submitters: PubMed 25863477 (cited by 4 submitters); PubMed 15340362 (cited by 3 submitters); PubMed 29446198 (cited by Ambry Genetics); PubMed 28392550 (cited by Color Diagnostics, LLC DBA Color Health); PubMed 35879854 (cited by Color Diagnostics, LLC DBA Color Health); PubMed 20104584 (cited by Labcorp Genetics (formerly Invitae), Labcorp).

NM_000059.4(BRCA2):c.2435del (p.Asn812fs)

Gene: BRCA2 (BRCA2 DNA repair associated; plus strand). Cytogenetic location: 13q13.1.
Variant type: Deletion.
Coding change: c.2435del on transcript NM_000059.4 (MANE Select); coding-DNA position 2435, one base deleted (A; older notation c.2435delA).
Protein change: p.Asn812fs; shifts the reading frame from asparagine 812.
Molecular consequence: frameshift variant.
Genome position (GRCh38, 1-based): chr13:32,336,790, A deleted; the last of 5 consecutive A bases (chr13:32,336,786-32,336,790); deleting any one gives the same sequence. VCF-style (leftmost placement, unchanged base first): chr13-32336785-CA-C. GRCh37 (hg19) VCF-style: chr13-32910922-CA-C.
Other names: 2663delA; c.2435delA (NM_000059.3).
Identifiers: ClinVar variation 51283 (VCV000051283.22), dbSNP rs80359329, ClinGen allele CA015250.